The following is an entry in ClinVar:

NM_024685.4(BBS10):c.157_170dup (p.Leu58fs)

Gene: BBS10 (Bardet-Biedl syndrome 10; minus strand). Cytogenetic location: 12q21.2.
Variant type: Duplication.
Coding change: c.157_170dup on transcript NM_024685.4 (MANE Select); coding-DNA positions 157 to 170, 14 bases duplicated (CGCCTCCTGGAGGC).
Protein change: p.Leu58fs; shifts the reading frame from leucine 58.
Molecular consequence: frameshift variant.
Genome position (GRCh38, 1-based): chr12:76,348,189-76,348,202, GCCTCCAGGAGGCG duplicated on the plus strand (CGCCTCCTGGAGGC on the coding strand, the reverse complement: BBS10 is on the minus strand); duplicating any 14 consecutive bases within chr12:76,348,189-76,348,209 gives the same sequence; the c. name uses the placement nearest the transcript's 3' end. VCF-style (leftmost placement, unchanged base first): chr12-76348188-C-CGCCTCCAGGAGGCG. GRCh37 (hg19) VCF-style: chr12-76741968-C-CGCCTCCAGGAGGCG.
Other names: c.157_170dup (NM_024685.3); short protein forms L58fs.
Identifiers: ClinVar variation 2436621 (VCV002436621.5), dbSNP rs2540957733, ClinGen allele CA2580086691.

ClinVar aggregate classification (germline): Likely pathogenic. Review status: criteria provided, multiple submitters, no conflicts (2 of 4 stars). 3 submissions from 3 submitters: Likely pathogenic (3). Last evaluated 2025-09-08.

Conditions:
Bardet-Biedl syndrome 10 (BBS10). Identifiers: Orphanet 110, MedGen C1859568, MONDO:0014438, OMIM 615987.

Submissions (3):

Natera, Inc.
Classification: Likely pathogenic for Bardet-Biedl syndrome type 10. Last evaluated: 2025-09-08. Review status: criteria provided, single submitter. Criteria: Natera Variant Classification Schema (03/2026). Collection method: clinical testing. Allele origin: germline.
Comment: The c.157_170dup variant in BBS10 is a frameshift variant predicted to shift the reading frame beginning at codon 58 and leads to a stop codon 8 codons downstream. This variant is expected to result in nonsense mediated decay, truncation, or a dysfunctional protein product. This variant is rare in the general population with a frequency below the threshold expected for the associated phenotype(s). Given the available evidence, this variant is classified as Likely Pathogenic.

Fulgent Genetics
Classification: Likely pathogenic for Bardet-Biedl syndrome 10. Last evaluated: 2024-04-25. Review status: criteria provided, single submitter. Criteria: ACMG Guidelines, 2015. Collection method: clinical testing. Allele origin: germline.

Revvity Omics, Revvity
Classification: Likely pathogenic for Bardet-Biedl syndrome 10. Last evaluated: 2022-06-01. Review status: criteria provided, single submitter. Criteria: ACMG Guidelines, 2015. Collection method: clinical testing. Allele origin: germline.